The following is an entry in ClinVar:

ClinVar aggregate classification (germline): Uncertain significance (1 of 4 stars; one submission).

Submission:

Ambry Genetics
Classification: Uncertain significance. Last evaluated: 2024-02-01. Review status: criteria provided, single submitter. Criteria: Ambry Variant Classification Scheme 2023. Collection method: clinical testing. Allele origin: germline.
Comment: The p.S978R variant (also known as c.2934C>A), located in coding exon 23 of the BUB1 gene, results from a C to A substitution at nucleotide position 2934. The serine at codon 978 is replaced by arginine, an amino acid with dissimilar properties. This amino acid position is conserved. In addition, this alteration is predicted to be tolerated by in silico analysis. Based on the available evidence, the clinical significance of this alteration remains unclear.

NM_004336.5(BUB1):c.2934C>A (p.Ser978Arg)

Gene: BUB1 (BUB1 mitotic checkpoint serine/threonine kinase; minus strand). Cytogenetic location: 2q13.
Variant type: single nucleotide variant.
Coding change: c.2934C>A on transcript NM_004336.5 (MANE Select); coding-DNA position 2934, C replaced by A.
Protein change: p.Ser978Arg; replaces serine 978 with arginine.
Molecular consequence: missense variant.
Genome position (GRCh38, 1-based): chr2:110,641,055, G>T on the plus strand (C>A on the coding strand, the complement: BUB1 is on the minus strand). VCF-style: chr2-110641055-G-T. GRCh37 (hg19) VCF-style: chr2-111398632-G-T.
Other names: c.2874C>A, p.Ser958Arg (NM_001278616.2); c.2763C>A, p.Ser921Arg (NM_001278617.2); short protein forms S921R, S958R, S978R.
Identifiers: ClinVar variation 3224072 (VCV003224072.1), dbSNP rs1262122893, ClinGen allele CA348088970.
Genomic context (GRCh38, chr2:110,641,055, plus strand): 5'-CAGAAAAATATTTCCAAGTCCCTCACTTTAGTTTTATACCTGGTAGTTCCATGGTTTGTT[G>T]CTGAGCATCTCAACACACTGAAAACCAGATGTTTCACACTTTGCTGTGAATATAGTTCCT-3'
Protein context (NP_004327.1, residues 968-988): TSGFQCVEML[Ser978Arg]NKPWNYQIDY